The following is an entry in ClinVar:

ClinVar aggregate classification (germline): Conflicting classifications of pathogenicity. Review status: criteria provided, conflicting classifications (1 of 4 stars). 2 submissions from 2 submitters: Uncertain significance (1); Benign (1). Last evaluated 2025-12-18.

Conditions:
Familial thoracic aortic aneurysm and aortic dissection (TAAD). Also called: Thoracic aortic aneurysms and dissections. Identifiers: Orphanet 91387, MedGen C4707243, MONDO:0019625.
Congenital contractural arachnodactyly (CCA). Also called: BEALS SYNDROME; Arthrogryposis, distal, type 9; Beals-Hecht syndrome. Identifiers: Orphanet 115, MedGen C0220668, MONDO:0007363, OMIM 121050.

Allele frequency attached by ClinVar (database versions not stated): gnomAD exomes below 0.00001 and 0.00001; ExAC 0.00001; gnomAD 0.00001; TOPMed 0.00001.
gnomAD v4.1: 13 of 1,614,062 alleles (0.00081%); highest among the groups gnomAD compares: African/African-American, 0.0027%; no homozygotes.

Submissions (2):

Ambry Genetics
Classification: Uncertain significance for Familial thoracic aortic aneurysm and aortic dissection. Last evaluated: 2025-12-18. Review status: criteria provided, single submitter. Criteria: Ambry Variant Classification Scheme 2023. Collection method: clinical testing. Allele origin: germline.
Comment: The p.T1366A variant (also known as c.4096A>G), located in coding exon 31 of the FBN2 gene, results from an A to G substitution at nucleotide position 4096. The threonine at codon 1366 is replaced by alanine, an amino acid with similar properties. This amino acid position is highly conserved in available vertebrate species. In addition, the in silico prediction for this alteration is inconclusive. Since supporting evidence is limited at this time, the clinical significance of this alteration remains unclear.

Labcorp Genetics (formerly Invitae), Labcorp
Classification: Benign for Congenital contractural arachnodactyly. Last evaluated: 2024-11-21. Review status: criteria provided, single submitter. Criteria: Invitae Variant Classification Sherloc (09022015). Collection method: clinical testing. Allele origin: germline.

NM_001999.4(FBN2):c.4096A>G (p.Thr1366Ala)

Gene: FBN2 (fibrillin 2; minus strand). Cytogenetic location: 5q23.3.
Variant type: single nucleotide variant.
Coding change: c.4096A>G on transcript NM_001999.4 (MANE Select); coding-DNA position 4096, A replaced by G.
Protein change: p.Thr1366Ala; replaces threonine 1366 with alanine.
Molecular consequence: missense variant.
Genome position (GRCh38, 1-based): chr5:128,334,722, T>C on the plus strand (A>G on the coding strand, the complement: FBN2 is on the minus strand). VCF-style: chr5-128334722-T-C. GRCh37 (hg19) VCF-style: chr5-127670414-T-C.
Other names: short protein forms T1366A.
Identifiers: ClinVar variation 519821 (VCV000519821.15), dbSNP rs768722316, ClinGen allele CA3395066.